The following is an entry in ClinVar:

NM_001903.5(CTNNA1):c.707C>A (p.Ala236Asp)

Gene: CTNNA1 (catenin alpha 1; plus strand). Cytogenetic location: 5q31.2.
Variant type: single nucleotide variant.
Coding change: c.707C>A on transcript NM_001903.5 (MANE Select); coding-DNA position 707, C replaced by A.
Protein change: p.Ala236Asp; replaces alanine 236 with aspartic acid.
Molecular consequence: missense variant.
Genome position (GRCh38, 1-based): chr5:138,824,648, C>A. VCF-style: chr5-138824648-C-A. GRCh37 (hg19) VCF-style: chr5-138160337-C-A.
Other names: c.707C>A, p.Ala236Asp (NM_001290307.3, NM_001323982.2, NM_001323983.1 and 3 more transcripts); c.398C>A, p.Ala133Asp (NM_001290309.3); c.338C>A, p.Ala113Asp (NM_001290310.3); short protein forms A133D, A113D, A236D.
Identifiers: ClinVar variation 4007969 (VCV004007969.2).
Genomic context (GRCh38, chr5:138,824,648, plus strand): 5'-AGAACGTTCCGATCCTCTATACTGCATCCCAGGCATGCCTACAGCACCCTGATGTCGCAG[C>A]CTATAAGGCCAACAGGGACCTGATATACAAGCAGCTGCAGCAGGCGGTCACAGGCATTTC-3'
Protein context (NP_001894.2, residues 226-246): QACLQHPDVA[Ala236Asp]YKANRDLIYK

ClinVar aggregate classification (germline): Uncertain significance. Review status: criteria provided, multiple submitters, no conflicts (2 of 4 stars). 2 submissions from 2 submitters: Uncertain significance (2). Last evaluated 2025-05-22.

Conditions:
Hereditary cancer-predisposing syndrome. Also called: Tumor predisposition; Hereditary neoplastic syndrome; Neoplastic Syndromes, Hereditary; Hereditary Cancer Syndrome. Identifiers: Orphanet 140162, MedGen C0027672, MeSH D009386, MONDO:0015356.

Submissions (2):

Labcorp Genetics (formerly Invitae), Labcorp
Classification: Uncertain significance. Last evaluated: 2025-05-22. Review status: criteria provided, single submitter. Criteria: Invitae Variant Classification Sherloc (09022015). Collection method: clinical testing. Allele origin: germline.
Comment: This sequence change replaces alanine, which is neutral and non-polar, with aspartic acid, which is acidic and polar, at codon 236 of the CTNNA1 protein (p.Ala236Asp). This variant is not present in population databases (gnomAD no frequency). This variant has not been reported in the literature in individuals affected with CTNNA1-related conditions. Invitae Evidence Modeling of protein sequence and biophysical properties (such as structural, functional, and spatial information, amino acid conservation, physicochemical variation, residue mobility, and thermodynamic stability) indicates that this missense variant is not expected to disrupt CTNNA1 protein function with a negative predictive value of 80%. In summary, the available evidence is currently insufficient to determine the role of this variant in disease. Therefore, it has been classified as a Variant of Uncertain Significance.

Ambry Genetics
Classification: Uncertain significance for Hereditary cancer-predisposing syndrome. Last evaluated: 2025-04-01. Review status: criteria provided, single submitter. Criteria: Ambry Variant Classification Scheme 2023. Collection method: clinical testing. Allele origin: germline.
Comment: The p.A236D variant (also known as c.707C>A), located in coding exon 5 of the CTNNA1 gene, results from a C to A substitution at nucleotide position 707. The alanine at codon 236 is replaced by aspartic acid, an amino acid with dissimilar properties. This amino acid position is conserved. In addition, this alteration is predicted to be deleterious by in silico analysis. Based on the available evidence, the clinical significance of this variant remains unclear.